The following is an entry in ClinVar:

ClinVar aggregate classification (germline): Benign. Review status: criteria provided, multiple submitters, no conflicts (2 of 4 stars). 3 submissions from 3 submitters: Benign (3). Last evaluated 2024-07-15.

Allele frequency attached by ClinVar (database versions not stated): 1000 Genomes Project 0.28295; 1000 Genomes Project 30x 0.28451; TOPMed 0.34927; gnomAD 0.36077 and 0.36242; gnomAD exomes 0.41313.
gnomAD v4.1: 579,607 of 1,423,236 alleles (41%); highest among the groups gnomAD compares: Middle Eastern, 50%; 122,062 homozygotes.

Submissions (3):

Unidad de Genómica Garrahan, Hospital de Pediatría Garrahan
Classification: Benign. Last evaluated: 2024-07-15. Review status: criteria provided, single submitter. Criteria: ACMG Guidelines, 2015. Collection method: clinical testing. Allele origin: germline. Affected: no. Observed: 47 variant alleles.
Comment: This variant is classified as Benign based on local population frequency. This variant was detected in 51% of patients studied in a panel designed for Epileptic and Developmental Encephalopathy and Progressive Myoclonus Epilepsy. Number of patients: 47. Only high quality variants are reported.

GeneDx
Classification: Benign. Last evaluated: 2018-06-14. Review status: criteria provided, single submitter. Criteria: GeneDx Variant Classification (06012015). Collection method: clinical testing. Allele origin: germline. Affected: yes.
Comment: This variant is considered likely benign or benign based on one or more of the following criteria: it is a conservative change, it occurs at a poorly conserved position in the protein, it is predicted to be benign by multiple in silico algorithms, and/or has population frequency not consistent with disease.

Breakthrough Genomics
Classification: Benign. Review status: criteria provided, single submitter. Criteria: ACMG Guidelines, 2015. Collection method: not provided. Allele origin: germline. Inheritance: Autosomal dominant inheritance. Affected: yes.

NM_000814.6(GABRB3):c.241-57G>A

Gene: GABRB3 (gamma-aminobutyric acid type A receptor subunit beta3; minus strand). Cytogenetic location: 15q12.
Variant type: single nucleotide variant.
Coding change: c.241-57G>A on transcript NM_000814.6 (MANE Select); 57 bases into the intron before coding-DNA position 241, G replaced by A.
Molecular consequence: intron variant.
Genome position (GRCh38, 1-based): chr15:26,621,591, C>T on the plus strand (G>A on the coding strand, the complement: GABRB3 is on the minus strand). VCF-style: chr15-26621591-C-T. GRCh37 (hg19) VCF-style: chr15-26866738-C-T.
Other names: c.241-57G>A (NM_021912.5); c.-15-57G>A (NM_001278631.2, NM_001191320.2); c.28-57G>A (NM_001191321.3).
Identifiers: ClinVar variation 680285 (VCV000680285.4), dbSNP rs45542840, ClinGen allele CA14128187.